The following is an entry in ClinVar:

ClinVar aggregate classification (germline): Uncertain significance. Review status: criteria provided, multiple submitters, no conflicts (2 of 4 stars). 3 submissions from 3 submitters: Uncertain significance (3). Last evaluated 2024-10-22.

Conditions:
Autosomal systemic lupus erythematosus type 16. Also called: Systemic lupus erythematosus 16. Identifiers: Orphanet 300345, MedGen C3280742, MONDO:0013743, OMIM 614420.

Submissions (3):

GeneDx
Classification: Uncertain significance. Last evaluated: 2024-10-22. Review status: criteria provided, single submitter. Criteria: GeneDx Variant Classification Process June 2021. Collection method: clinical testing. Allele origin: germline. Affected: yes.
Comment: In silico analysis supports that this missense variant has a deleterious effect on protein structure/function; Not observed at significant frequency in large population cohorts (gnomAD); This variant is associated with the following publications: (PMID: 33022220, 38739464)

Labcorp Genetics (formerly Invitae), Labcorp
Classification: Uncertain significance. Last evaluated: 2024-05-28. Review status: criteria provided, single submitter. Criteria: Invitae Variant Classification Sherloc (09022015). Collection method: clinical testing. Allele origin: germline.
Comment: This sequence change replaces glycine, which is neutral and non-polar, with alanine, which is neutral and non-polar, at codon 188 of the DNASE1L3 protein (p.Gly188Ala). This variant is not present in population databases (gnomAD no frequency). This variant has not been reported in the literature in individuals affected with DNASE1L3-related conditions. ClinVar contains an entry for this variant (Variation ID: 1302145). An algorithm developed to predict the effect of missense changes on protein structure and function (PolyPhen-2) suggests that this variant is likely to be disruptive. In summary, the available evidence is currently insufficient to determine the role of this variant in disease. Therefore, it has been classified as a Variant of Uncertain Significance.

3billion
Classification: Uncertain significance for Autosomal systemic lupus erythematosus type 16. Last evaluated: 2023-02-23. Review status: criteria provided, single submitter. Criteria: ACMG Guidelines, 2015. Collection method: clinical testing. Allele origin: unknown. Affected: yes.
Comment: The variant is not observed in the gnomAD v2.1.1 dataset. In silico tool predictions suggest damaging effect of the variant on gene or gene product (REVEL: 0.98; 3Cnet: 0.64). Therefore, this variant is classified as VUS according to the recommendation of ACMG/AMP guideline.

NM_004944.4(DNASE1L3):c.563G>C (p.Gly188Ala)

Gene: DNASE1L3 (deoxyribonuclease 1L3; minus strand). Cytogenetic location: 3p14.3.
Variant type: single nucleotide variant.
Coding change: c.563G>C on transcript NM_004944.4 (MANE Select); coding-DNA position 563, G replaced by C.
Protein change: p.Gly188Ala; replaces glycine 188 with alanine.
Molecular consequence: missense variant.
Genome position (GRCh38, 1-based): chr3:58,197,962, C>G on the plus strand (G>C on the coding strand, the complement: DNASE1L3 is on the minus strand). VCF-style: chr3-58197962-C-G. GRCh37 (hg19) VCF-style: chr3-58183689-C-G.
Other names: c.473G>C, p.Gly158Ala (NM_001256560.2); short protein forms G158A, G188A.
Identifiers: ClinVar variation 1302145 (VCV001302145.6), dbSNP rs1313460433, ClinGen allele CA353338737.